The following is an entry in ClinVar:

NM_000038.6(APC):c.8163C>G (p.Arg2721=)

Gene: APC (APC regulator of Wnt signaling pathway; plus strand). Cytogenetic location: 5q22.2.
Variant type: single nucleotide variant.
Coding change: c.8163C>G on transcript NM_000038.6 (MANE Select); coding-DNA position 8163, C replaced by G.
Protein change: p.Arg2721=; no amino-acid change (arginine 2721 retained).
Molecular consequence: synonymous variant. On other transcripts: non-coding transcript variant (2).
Genome position (GRCh38, 1-based): chr5:112,843,757, C>G. VCF-style: chr5-112843757-C-G. GRCh37 (hg19) VCF-style: chr5-112179454-C-G.
Other names: c.8163C>G (NM_000038.5); c.8163C>G, p.Arg2721= (NM_001127510.3, NM_001354895.2, NM_001407450.1); c.8109C>G, p.Arg2703= (NM_001127511.3); c.8217C>G, p.Arg2739= (NM_001354896.2, NM_001407447.1, NM_001407448.1 and 1 more transcripts); c.8193C>G, p.Arg2731= (NM_001354897.2); c.8088C>G, p.Arg2696= (NM_001354898.2); c.8079C>G, p.Arg2693= (NM_001354899.2); c.8040C>G, p.Arg2680= (NM_001354900.2); and 12 more.
Identifiers: ClinVar variation 2032442 (VCV002032442.8), dbSNP rs2150000245, ClinGen allele CA446211247.

ClinVar aggregate classification (germline): Benign/Likely benign. Review status: criteria provided, multiple submitters, no conflicts (2 of 4 stars). 4 submissions from 4 submitters: Benign (1); Likely benign (3). Last evaluated 2025-09-27.

Conditions:
Hereditary cancer-predisposing syndrome. Also called: Hereditary Cancer Syndrome; Neoplastic Syndromes, Hereditary; Hereditary neoplastic syndrome; Tumor predisposition. Identifiers: Orphanet 140162, MedGen C0027672, MeSH D009386, MONDO:0015356.
Familial adenomatous polyposis 1 (FAP1). Also called: POLYPOSIS, ADENOMATOUS INTESTINAL; FAMILIAL ADENOMATOUS POLYPOSIS 1, ATTENUATED. Identifiers: MedGen C2713442, MONDO:0021056, OMIM 175100. Disease mechanism: loss of function.

Submissions (4):

Ambry Genetics
Classification: Likely benign for Hereditary cancer-predisposing syndrome. Last evaluated: 2025-09-27. Review status: criteria provided, single submitter. Criteria: Ambry Variant Classification Scheme 2023. Collection method: clinical testing. Allele origin: germline.

Myriad Genetics, Inc.
Classification: Benign for Familial adenomatous polyposis 1. Last evaluated: 2024-04-12. Review status: criteria provided, single submitter. Criteria: Myriad Autosomal Dominant, Autosomal Recessive and X-Linked Classification Criteria (2023). Collection method: clinical testing. Allele origin: unknown.
Comment: This variant is considered benign. This variant is a silent/synonymous amino acid change and it is not expected to impact splicing.

Color Diagnostics, LLC DBA Color Health
Classification: Likely benign for Hereditary cancer-predisposing syndrome. Last evaluated: 2023-09-18. Review status: criteria provided, single submitter. Criteria: ACMG Guidelines, 2015. Collection method: clinical testing. Allele origin: germline.

Labcorp Genetics (formerly Invitae), Labcorp
Classification: Likely benign for Familial adenomatous polyposis 1. Last evaluated: 2022-11-20. Review status: criteria provided, single submitter. Criteria: Invitae Variant Classification Sherloc (09022015). Collection method: clinical testing. Allele origin: germline.